The following is an entry in ClinVar:

NM_000246.4(CIITA):c.1373G>A (p.Arg458His)

Gene: CIITA (class II major histocompatibility complex transactivator; plus strand). Cytogenetic location: 16p13.13.
Variant type: single nucleotide variant.
Coding change: c.1373G>A on transcript NM_000246.4 (MANE Select); coding-DNA position 1373, G replaced by A.
Protein change: p.Arg458His; replaces arginine 458 with histidine.
Molecular consequence: missense variant. On other transcripts: intron variant (1).
Genome position (GRCh38, 1-based): chr16:10,906,865, G>A. VCF-style: chr16-10906865-G-A. GRCh37 (hg19) VCF-style: chr16-11000722-G-A.
Other names: c.1376G>A, p.Arg459His (NM_001286402.1, NM_001379332.1); c.1229G>A, p.Arg410His (NM_001379330.1); c.1226G>A, p.Arg409His (NM_001379331.1); c.1373G>A, p.Arg458His (NM_001379333.1); c.1304G>A, p.Arg435His (NM_001379334.1); c.859+2053G>A (NM_001286403.2); short protein forms R435H, R459H, R409H, R410H, R458H.
Identifiers: ClinVar variation 2142685 (VCV002142685.2), dbSNP rs770948154, ClinGen allele CA7900112.
Genomic context (GRCh38, chr16:10,906,865, plus strand): 5'-CTTGTGGCCGGCTTCCCCAGTACGACTTTGTCTTCTCTGTCCCCTGCCATTGCTTGAACC[G>A]TCCGGGGGATGCCTATGGCCTGCAGGATCTGCTCTTCTCCCTGGGCCCACAGCCACTCGT-3'
Protein context (NP_000237.2, residues 448-468): VFSVPCHCLN[Arg458His]PGDAYGLQDL

ClinVar aggregate classification (germline): Uncertain significance (1 of 4 stars; one submission).

Conditions:
MHC class II deficiency. Also called: Bare lymphocyte syndrome 2; BLS, TYPE II. Identifiers: Orphanet 572, MedGen C5447452, MONDO:0008855.

Allele frequency attached by ClinVar (database versions not stated): ExAC 0.00002; gnomAD 0.00003.
gnomAD v4.1: 20 of 1,613,342 alleles (0.0012%); highest among the groups gnomAD compares: Middle Eastern, 0.016%; no homozygotes.

Submission:

Labcorp Genetics (formerly Invitae), Labcorp
Classification: Uncertain significance for MHC class II deficiency. Last evaluated: 2025-06-23. Review status: criteria provided, single submitter. Criteria: Invitae Variant Classification Sherloc (09022015). Collection method: clinical testing. Allele origin: germline.
Comment: This sequence change replaces arginine, which is basic and polar, with histidine, which is basic and polar, at codon 458 of the CIITA protein (p.Arg458His). This variant is present in population databases (rs770948154, gnomAD 0.005%). This variant has not been reported in the literature in individuals affected with CIITA-related conditions. ClinVar contains an entry for this variant (Variation ID: 2142685). An algorithm developed to predict the effect of missense changes on protein structure and function outputs the following: PolyPhen-2: "Benign". The histidine amino acid residue is found in multiple mammalian species, which suggests that this missense change does not adversely affect protein function. In summary, the available evidence is currently insufficient to determine the role of this variant in disease. Therefore, it has been classified as a Variant of Uncertain Significance.